The following is an entry in ClinVar:

ClinVar aggregate classification (germline): Uncertain significance (1 of 4 stars; one submission).

Submission:

Ambry Genetics
Classification: Uncertain significance. Last evaluated: 2024-09-02. Review status: criteria provided, single submitter. Criteria: Ambry Variant Classification Scheme 2023. Collection method: clinical testing. Allele origin: germline.
Comment: The p.A704V variant (also known as c.2111C>T), located in coding exon 21 of the KIF1B gene, results from a C to T substitution at nucleotide position 2111. The alanine at codon 704 is replaced by valine, an amino acid with similar properties. This amino acid position is highly conserved in available vertebrate species. In addition, the in silico prediction for this alteration is inconclusive. Since supporting evidence is limited at this time, the clinical significance of this alteration remains unclear.

NM_001365951.3(KIF1B):c.2249C>T (p.Ala750Val)

Gene: KIF1B (kinesin family member 1B; plus strand). Cytogenetic location: 1p36.22.
Variant type: single nucleotide variant.
Coding change: c.2249C>T on transcript NM_001365951.3 (MANE Select); coding-DNA position 2249, C replaced by T.
Protein change: p.Ala750Val; replaces alanine 750 with valine.
Molecular consequence: missense variant.
Genome position (GRCh38, 1-based): chr1:10,321,748, C>T. VCF-style: chr1-10321748-C-T. GRCh37 (hg19) VCF-style: chr1-10381806-C-T.
Other names: c.2249C>T, p.Ala750Val (NM_001365952.1); c.2111C>T, p.Ala704Val (NM_015074.3); short protein forms A704V, A750V.
Identifiers: ClinVar variation 1786120 (VCV001786120.3), dbSNP rs2521606893, ClinGen allele CA338332739.
Genomic context (GRCh38, chr1:10,321,748, plus strand): 5'-ATGCATCATTCATTCTTTCAGTTCCTTGGACACAGCATGAATTTGAGTTGGCCCAATGGG[C>T]CTTCCGGAAATGGAAGTCTCATCAGTTTACTTCATTACGGGACTTACTCTGGGGCAATGC-3'
Protein context (NP_001352880.1, residues 740-760): TQHEFELAQW[Ala750Val]FRKWKSHQFT